The following is an entry in ClinVar:

ClinVar aggregate classification (germline): Uncertain significance (1 of 4 stars; one submission).

Conditions:
Sengers syndrome. Also called: MITOCHONDRIAL DNA DEPLETION SYNDROME 10 (CARDIOMYOPATHIC TYPE); Cardiomyopathy and cataract. Identifiers: Orphanet 1369, MedGen C1859317, MONDO:0008922, OMIM 212350.
Cataract 38. Also called: Cataract 38, autosomal recessive; Cataract, autosomal recessive congenital 5. Identifiers: Orphanet 91492, MedGen C3553494, MONDO:0013859, OMIM 614691.

Submission:

Labcorp Genetics (formerly Invitae), Labcorp
Classification: Uncertain significance for Sengers syndrome; Cataract 38. Last evaluated: 2026-01-08. Review status: criteria provided, single submitter. Criteria: Invitae Variant Classification Sherloc (09022015). Collection method: clinical testing. Allele origin: germline.
Comment: This sequence change falls in intron 8 of the AGK gene. It does not directly change the encoded amino acid sequence of the AGK protein. Information on the frequency of this variant in the gnomAD database is not available, as this variant may be reported differently in the database. This variant has not been reported in the literature in individuals affected with AGK-related conditions. Experimental studies and prediction algorithms are not available or were not evaluated, and the effect of this variant on mRNA splicing is currently unknown. In summary, the available evidence is currently insufficient to determine the role of this variant in disease. Therefore, it has been classified as a Variant of Uncertain Significance.

NM_018238.4(AGK):c.519-21_519-20delinsCA

Gene: AGK (acylglycerol kinase; plus strand). Cytogenetic location: 7q34.
Variant type: Indel.
Coding change: c.519-21_519-20delinsCA on transcript NM_018238.4 (MANE Select); 21 bases into the intron before coding-DNA position 519 through 20 bases into the intron before coding-DNA position 519, TC replaced by CA.
Molecular consequence: intron variant.
Genome position (GRCh38, 1-based): chr7:141,621,711-141,621,712, TC replaced by CA. VCF-style: chr7-141621711-TC-CA. GRCh37 (hg19) VCF-style: chr7-141321511-TC-CA.
Other names: c.519-21_519-20delinsCA (NM_001364948.3).
Identifiers: ClinVar variation 4787136 (VCV004787136.1).